The following is an entry in ClinVar:

NM_024312.5(GNPTAB):c.2451A>T (p.Arg817Ser)

Gene: GNPTAB (N-acetylglucosamine-1-phosphate transferase subunits alpha and beta; minus strand). Cytogenetic location: 12q23.2.
Variant type: single nucleotide variant.
Coding change: c.2451A>T on transcript NM_024312.5 (MANE Select); coding-DNA position 2451, A replaced by T.
Protein change: p.Arg817Ser; replaces arginine 817 with serine.
Molecular consequence: missense variant.
Genome position (GRCh38, 1-based): chr12:101,764,466, T>A on the plus strand (A>T on the coding strand, the complement: GNPTAB is on the minus strand). VCF-style: chr12-101764466-T-A. GRCh37 (hg19) VCF-style: chr12-102158244-T-A.
Other names: c.2451A>T (NM_024312.4); short protein forms R817S.
Identifiers: ClinVar variation 1470404 (VCV001470404.8), dbSNP rs754852059, ClinGen allele CA6746430.

ClinVar aggregate classification (germline): Uncertain significance. Review status: criteria provided, multiple submitters, no conflicts (2 of 4 stars). 2 submissions from 2 submitters: Uncertain significance (2). Last evaluated 2025-04-29.

Conditions:
Pseudo-Hurler polydystrophy. Also called: ML III; ML III ALPHA/BETA; Type III Mucolipidosis; ML IIIA; Mucolipidosis III Alpha/Beta; MUCOLIPIDOSIS IIIA. Identifiers: Orphanet 423461, Orphanet 577, MedGen C0033788, MONDO:0018931, OMIM 252600.
Mucolipidosis type II. Also called: ML II ALPHA/BETA; Mucolipidosis 2; ML 2; Inclusion cell disease; Leroy Disease; N-acetylglucosamine 1phosphotransferase deficiency. Identifiers: Orphanet 576, MedGen C2673377, MONDO:0009650, OMIM 252500.
Inborn genetic diseases. Identifiers: MedGen C0950123, MeSH D030342.

Allele frequency attached by ClinVar (database versions not stated): gnomAD 0.00001; gnomAD exomes 0.00001; TOPMed 0.00001; ExAC 0.00001.
gnomAD v4.1: 7 of 1,613,704 alleles (0.00043%); highest among the groups gnomAD compares: Admixed American, 0.0067%; no homozygotes.

Submissions (2):

Ambry Genetics
Classification: Uncertain significance for Inborn genetic diseases. Last evaluated: 2025-04-29. Review status: criteria provided, single submitter. Criteria: Ambry Variant Classification Scheme 2023. Collection method: clinical testing. Allele origin: germline.

Labcorp Genetics (formerly Invitae), Labcorp
Classification: Uncertain significance for Pseudo-Hurler polydystrophy; Mucolipidosis type II. Last evaluated: 2024-10-07. Review status: criteria provided, single submitter. Criteria: Invitae Variant Classification Sherloc (09022015). Collection method: clinical testing. Allele origin: germline.
Comment: This sequence change replaces arginine, which is basic and polar, with serine, which is neutral and polar, at codon 817 of the GNPTAB protein (p.Arg817Ser). This variant is present in population databases (rs754852059, gnomAD 0.003%). This variant has not been reported in the literature in individuals affected with GNPTAB-related conditions. ClinVar contains an entry for this variant (Variation ID: 1470404). Invitae Evidence Modeling of protein sequence and biophysical properties (such as structural, functional, and spatial information, amino acid conservation, physicochemical variation, residue mobility, and thermodynamic stability) indicates that this missense variant is not expected to disrupt GNPTAB protein function with a negative predictive value of 80%. In summary, the available evidence is currently insufficient to determine the role of this variant in disease. Therefore, it has been classified as a Variant of Uncertain Significance.